The following is an entry in ClinVar:

ClinVar aggregate classification (germline): Uncertain significance (1 of 4 stars; one submission).

gnomAD v4.1: 9 of 1,598,516 alleles (0.00056%); highest among the groups gnomAD compares: East Asian, 0.0045%; no homozygotes.

Submission:

Labcorp Genetics (formerly Invitae), Labcorp
Classification: Uncertain significance. Last evaluated: 2025-06-04. Review status: criteria provided, single submitter. Criteria: Invitae Variant Classification Sherloc (09022015). Collection method: clinical testing. Allele origin: germline.
Comment: This sequence change replaces proline, which is neutral and non-polar, with leucine, which is neutral and non-polar, at codon 1075 of the TAOK2 protein (p.Pro1075Leu). This variant is present in population databases (rs755470822, gnomAD 0.003%). This variant has not been reported in the literature in individuals affected with TAOK2-related conditions. An algorithm developed to predict the effect of missense changes on protein structure and function (PolyPhen-2) suggests that this variant is likely to be disruptive. In summary, the available evidence is currently insufficient to determine the role of this variant in disease. Therefore, it has been classified as a Variant of Uncertain Significance.

NM_016151.4(TAOK2):c.3224C>T (p.Pro1075Leu)

Gene: TAOK2 (TAO kinase 2; plus strand). Cytogenetic location: 16p11.2.
Variant type: single nucleotide variant.
Coding change: c.3224C>T on transcript NM_016151.4 (MANE Select); coding-DNA position 3224, C replaced by T.
Protein change: p.Pro1075Leu; replaces proline 1075 with leucine.
Molecular consequence: missense variant. On other transcripts: intron variant (1).
Genome position (GRCh38, 1-based): chr16:29,987,496, C>T. VCF-style: chr16-29987496-C-T. GRCh37 (hg19) VCF-style: chr16-29998817-C-T.
Other names: c.2885C>T, p.Pro962Leu (NM_001252043.2); c.2232+992C>T (NM_004783.4); short protein forms P962L, P1075L.
Identifiers: ClinVar variation 4764045 (VCV004764045.1).